The following is an entry in ClinVar:

ClinVar aggregate classification (germline): Uncertain significance (1 of 4 stars; one submission).

Submission:

Labcorp Genetics (formerly Invitae), Labcorp
Classification: Uncertain significance. Last evaluated: 2024-08-30. Review status: criteria provided, single submitter. Criteria: Invitae Variant Classification Sherloc (09022015). Collection method: clinical testing. Allele origin: germline.
Comment: This sequence change replaces threonine, which is neutral and polar, with alanine, which is neutral and non-polar, at codon 35 of the CLCN6 protein (p.Thr35Ala). This variant is not present in population databases (gnomAD no frequency). This variant has not been reported in the literature in individuals affected with CLCN6-related conditions. ClinVar contains an entry for this variant (Variation ID: 1967791). An algorithm developed to predict the effect of missense changes on protein structure and function (PolyPhen-2) suggests that this variant is likely to be tolerated. In summary, the available evidence is currently insufficient to determine the role of this variant in disease. Therefore, it has been classified as a Variant of Uncertain Significance.

NM_001286.5(CLCN6):c.103A>G (p.Thr35Ala)

Gene: CLCN6 (chloride voltage-gated channel 6; plus strand). Cytogenetic location: 1p36.22.
Variant type: single nucleotide variant.
Coding change: c.103A>G on transcript NM_001286.5 (MANE Select); coding-DNA position 103, A replaced by G.
Protein change: p.Thr35Ala; replaces threonine 35 with alanine.
Molecular consequence: missense variant. On other transcripts: non-coding transcript variant (1).
Genome position (GRCh38, 1-based): chr1:11,807,146, A>G. VCF-style: chr1-11807146-A-G. GRCh37 (hg19) VCF-style: chr1-11867203-A-G.
Other names: c.103A>G, p.Thr35Ala (NM_001256959.2); short protein forms T35A.
Identifiers: ClinVar variation 1967791 (VCV001967791.5), dbSNP rs2523023652, ClinGen allele CA338424394.
Genomic context (GRCh38, chr1:11,807,146, plus strand): 5'-TCCTAACCACTAAAAAAGGCTCCCTCTGCGGATCTGTTTTTCTAGACCATCCTTGGAGAA[A>G]CACAGGAGGAGGAGGATGAGATTCTTCCAAGGAAAGACTATGAGGTGAGCTCCTTTGATA-3'
Protein context (NP_001277.2, residues 25-45): TPEELTILGE[Thr35Ala]QEEEDEILPR